The following is an entry in ClinVar:

ClinVar aggregate classification (germline): Uncertain significance (1 of 4 stars; one submission).

Allele frequency attached by ClinVar (database versions not stated): gnomAD exomes below 0.00001.
gnomAD v4.1: 4 of 1,613,868 alleles (0.00025%); highest among the groups gnomAD compares: Non-Finnish European, 0.00034%; no homozygotes.

Submission:

Women's Health and Genetics/Laboratory Corporation of America, LabCorp
Classification: Uncertain significance. Last evaluated: 2023-05-01. Review status: criteria provided, single submitter. Criteria: LabCorp Variant Classification Summary - May 2015. Collection method: clinical testing. Allele origin: germline.
Comment: Variant summary: USH2A c.7054C>T (p.Pro2352Ser) results in a non-conservative amino acid change located in the Fibronectin type III domain (IPR003961) of the encoded protein sequence. Four of five in-silico tools predict a damaging effect of the variant on protein function. The variant was absent in 251290 control chromosomes. The available data on variant occurrences in the general population are insufficient to allow any conclusion about variant significance. c.7054C>T has been reported in the literature as a compound heterozygous genotype in at-least one individual affected with non syndromic Retinitis Pigmentosa (example, van Huet_2015 captured in Pierrache_2016 cited in Molina-Ramirez_2020). These data do not allow any conclusion about variant significance. To our knowledge, no experimental evidence demonstrating an impact on protein function has been reported. The following publications have been ascertained in the context of this evaluation (PMID: 32176120, 26927203, 25999674). No clinical diagnostic laboratories have submitted clinical-significance assessments for this variant to ClinVar after 2014. Based on the evidence outlined above, the variant was classified as uncertain significance.

Literature cited by the submitters: PubMed 26927203; PubMed 25999674; PubMed 32176120.

NM_206933.4(USH2A):c.7054C>T (p.Pro2352Ser)

Gene: USH2A (usherin; minus strand). Cytogenetic location: 1q41.
Variant type: single nucleotide variant.
Coding change: c.7054C>T on transcript NM_206933.4 (MANE Select); coding-DNA position 7054, C replaced by T.
Protein change: p.Pro2352Ser; replaces proline 2352 with serine.
Molecular consequence: missense variant.
Genome position (GRCh38, 1-based): chr1:215,965,383, G>A on the plus strand (C>T on the coding strand, the complement: USH2A is on the minus strand). VCF-style: chr1-215965383-G-A. GRCh37 (hg19) VCF-style: chr1-216138725-G-A.
Other names: short protein forms P2352S.
Identifiers: ClinVar variation 2506132 (VCV002506132.1), dbSNP rs2527554336, ClinGen allele CA344852108.